The following is an entry in ClinVar:

NM_005263.5(GFI1):c.783C>G (p.Ser261Arg)

Gene: GFI1 (growth factor independent 1 transcriptional repressor; minus strand). Cytogenetic location: 1p22.1.
Variant type: single nucleotide variant.
Coding change: c.783C>G on transcript NM_005263.5 (MANE Select); coding-DNA position 783, C replaced by G.
Protein change: p.Ser261Arg; replaces serine 261 with arginine.
Molecular consequence: missense variant.
Genome position (GRCh38, 1-based): chr1:92,480,604, G>C on the plus strand (C>G on the coding strand, the complement: GFI1 is on the minus strand). VCF-style: chr1-92480604-G-C. GRCh37 (hg19) VCF-style: chr1-92946161-G-C.
Other names: c.783C>G, p.Ser261Arg (NM_001127215.3, NM_001127216.3); short protein forms S261R.
Identifiers: ClinVar variation 2965474 (VCV002965474.4), dbSNP rs1658183069, ClinGen allele CA341148887.

ClinVar aggregate classification (germline): Uncertain significance. Review status: criteria provided, multiple submitters, no conflicts (2 of 4 stars). 2 submissions from 2 submitters: Uncertain significance (2). Last evaluated 2025-03-22.

Conditions:
Neutropenia, severe congenital, 2, autosomal dominant. Identifiers: Orphanet 486, MedGen C2751288, MONDO:0013139, OMIM 613107.

Allele frequency attached by ClinVar (database versions not stated): gnomAD exomes below 0.00001; TOPMed below 0.00001.

Submissions (2):

Ambry Genetics
Classification: Uncertain significance. Last evaluated: 2025-03-22. Review status: criteria provided, single submitter. Criteria: Ambry Variant Classification Scheme 2023. Collection method: clinical testing. Allele origin: germline.
Comment: The p.S261R variant (also known as c.783C>G), located in coding exon 3 of the GFI1 gene, results from a C to G substitution at nucleotide position 783. The serine at codon 261 is replaced by arginine, an amino acid with dissimilar properties. This amino acid position is conserved. In addition, this alteration is predicted to be tolerated by in silico analysis. Based on the available evidence, the clinical significance of this variant remains unclear.

Labcorp Genetics (formerly Invitae), Labcorp
Classification: Uncertain significance for Neutropenia, severe congenital, 2, autosomal dominant. Last evaluated: 2025-02-17. Review status: criteria provided, single submitter. Criteria: Invitae Variant Classification Sherloc (09022015). Collection method: clinical testing. Allele origin: germline.
Comment: This sequence change replaces serine, which is neutral and polar, with arginine, which is basic and polar, at codon 261 of the GFI1 protein (p.Ser261Arg). This variant is not present in population databases (gnomAD no frequency). This variant has not been reported in the literature in individuals affected with GFI1-related conditions. ClinVar contains an entry for this variant (Variation ID: 2965474). Invitae Evidence Modeling of protein sequence and biophysical properties (such as structural, functional, and spatial information, amino acid conservation, physicochemical variation, residue mobility, and thermodynamic stability) indicates that this missense variant is not expected to disrupt GFI1 protein function with a negative predictive value of 80%. In summary, the available evidence is currently insufficient to determine the role of this variant in disease. Therefore, it has been classified as a Variant of Uncertain Significance.